The following is an entry in ClinVar:

ClinVar aggregate classification (germline): Uncertain significance. Review status: criteria provided, multiple submitters, no conflicts (2 of 4 stars). 8 submissions from 8 submitters: Uncertain significance (8). Last evaluated 2025-06-09.

Conditions:
RYR1-related disorder. Also called: RYR1-related condition; RYR1-related disorders. Identifiers: MedGen CN239331.
Malignant hyperthermia, susceptibility to, 1 (MHS1). Also called: Anesthesia related hyperthermia; Malignant hyperpyrexia; Fulminating hyperpyrexia; Pharmacogenic myopathy; RYR1-Related Malignant Hyperthermia Susceptibility; Malignant hyperthermia suceptibility 1. Identifiers: Orphanet 423, MedGen C2930980, MONDO:0007783, OMIM 145600.
King Denborough syndrome (KDS). Identifiers: MedGen C1840365, MONDO:0020485, OMIM 619542.
Congenital myopathy with fiber type disproportion. Also called: Congenital fiber-type disproportion; Congenital fiber-type disproportion myopathy. Identifiers: Orphanet 2020, MedGen C0546264, MONDO:0009711. Inheritance: all.
Central core myopathy (CMYO1A). Also called: CONGENITAL MYOPATHY 1A, AUTOSOMAL DOMINANT, WITH SUSCEPTIBILITY TO MALIGNANT HYPERTHERMIA; Central core disease; Myopathy, central fibrillar. Identifiers: Orphanet 597, MedGen C5830701, MONDO:0007294, OMIM 117000.
Congenital multicore myopathy with external ophthalmoplegia (CMYO1B). Also called: Congenital myopathy 1B, autosomal recessive; Minicore myopathy; MULTICORE MYOPATHY; Minicore myopathy with external ophthalmoplegia; MULTIMINICORE DISEASE WITH EXTERNAL OPHTHALMOPLEGIA. Identifiers: Orphanet 598, Orphanet 98905, MedGen C1850674, MONDO:0009712, OMIM 255320, HP:0003789.
Inborn genetic diseases. Identifiers: MedGen C0950123, MeSH D030342.

Allele frequency attached by ClinVar (database versions not stated): ExAC 0.00001; gnomAD exomes 0.00001 and 0.00002; gnomAD 0.00003 and 0.00004; TOPMed 0.00003.
gnomAD v4.1: 20 of 1,613,950 alleles (0.0012%); highest among the groups gnomAD compares: Middle Eastern, 0.033%; no homozygotes.

Submissions (8):

Labcorp Genetics (formerly Invitae), Labcorp
Classification: Uncertain significance for RYR1-related disorder. Last evaluated: 2025-06-09. Review status: criteria provided, single submitter. Criteria: Invitae Variant Classification Sherloc (09022015). Collection method: clinical testing. Allele origin: germline.
Comment: This sequence change replaces arginine, which is basic and polar, with cysteine, which is neutral and slightly polar, at codon 1420 of the RYR1 protein (p.Arg1420Cys). This variant is present in population databases (rs760625346, gnomAD 0.01%). This variant has not been reported in the literature in individuals affected with RYR1-related conditions. ClinVar contains an entry for this variant (Variation ID: 1492576). Invitae Evidence Modeling of protein sequence and biophysical properties (such as structural, functional, and spatial information, amino acid conservation, physicochemical variation, residue mobility, and thermodynamic stability) indicates that this missense variant is not expected to disrupt RYR1 protein function with a negative predictive value of 80%. In summary, the available evidence is currently insufficient to determine the role of this variant in disease. Therefore, it has been classified as a Variant of Uncertain Significance.

GeneDx
Classification: Uncertain significance. Last evaluated: 2025-02-08. Review status: criteria provided, single submitter. Criteria: GeneDx Variant Classification Process June 2021. Collection method: clinical testing. Allele origin: germline. Affected: yes.
Comment: Not observed at significant frequency in large population cohorts (gnomAD); In silico analysis supports that this missense variant has a deleterious effect on protein structure/function; Has not been previously published as pathogenic or benign to our knowledge

All of Us Research Program, National Institutes of Health
Classification: Uncertain significance for Malignant hyperthermia, susceptibility to, 1. Last evaluated: 2024-08-06. Review status: criteria provided, single submitter. Criteria: ACMG Guidelines, 2015. Collection method: clinical testing. Allele origin: germline. Inheritance: Autosomal dominant inheritance. Observed: 2 variant alleles, 2 heterozygotes.
Comment: This missense variant replaces arginine with cysteine at codon 1420 of the RYR1 protein. Computational prediction suggests that this variant may have deleterious impact on protein structure and function (internally defined REVEL score threshold >= 0.7, PMID: 27666373). To our knowledge, functional studies have not been reported for this variant. This variant has not been reported in individuals affected with RYR1-related disorders in the literature. This variant has been identified in 8/282346 chromosomes in the general population by the Genome Aggregation Database (gnomAD). The available evidence is insufficient to determine the role of this variant in disease conclusively. Therefore, this variant is classified as a Variant of Uncertain Significance.

This study involves interpretation of variants in research participants for the purpose of population health screening. Participant phenotype was not available at the time of variant classification. Additional details can be found in publication PMID: 35346344, PMCID: PMC8962531

Ambry Genetics
Classification: Uncertain significance for Inborn genetic diseases. Last evaluated: 2024-05-21. Review status: criteria provided, single submitter. Criteria: Ambry Variant Classification Scheme 2023. Collection method: clinical testing. Allele origin: germline.

ARUP Laboratories, Molecular Genetics and Genomics, ARUP Laboratories
Classification: Uncertain significance. Last evaluated: 2024-02-15. Review status: criteria provided, single submitter. Criteria: ARUP Molecular Germline Variant Investigation Process 2024. Collection method: clinical testing. Allele origin: germline.
Comment: The RYR1 c.4258C>T; p.Arg1420Cys variant (rs760625346), to our knowledge, is not reported in the medical literature but is reported in ClinVar (Variation ID: 1492576). This variant is observed in the general population with an overall allele frequency of 0.003% (8/282346 alleles) in the Genome Aggregation Database (v2.1.1). Computational analyses predict that this variant is deleterious (REVEL: 0.748). Due to limited information, the clinical significance of this variant is uncertain at this time.

Color Diagnostics, LLC DBA Color Health
Classification: Uncertain significance for Malignant hyperthermia, susceptibility to, 1. Last evaluated: 2023-11-29. Review status: criteria provided, single submitter. Criteria: ACMG Guidelines, 2015. Collection method: clinical testing. Allele origin: germline.
Comment: This missense variant replaces arginine with cysteine at codon 1420 of the RYR1 protein. Computational prediction suggests that this variant may have deleterious impact on protein structure and function. To our knowledge, functional studies have not been reported for this variant. This variant has not been reported in individuals affected with RYR1-related disorders in the literature. This variant has been identified in 8/282346 chromosomes in the general population by the Genome Aggregation Database (gnomAD). The available evidence is insufficient to determine the role of this variant in disease conclusively. Therefore, this variant is classified as a Variant of Uncertain Significance.

Revvity Omics, Revvity
Classification: Uncertain significance. Last evaluated: 2023-08-02. Review status: criteria provided, single submitter. Criteria: ACMG Guidelines, 2015. Collection method: clinical testing. Allele origin: germline.

Fulgent Genetics
Classification: Uncertain significance for Central core myopathy; Malignant hyperthermia, susceptibility to, 1; Congenital myopathy 4A, autosomal dominant; Congenital multicore myopathy with external ophthalmoplegia; King Denborough syndrome. Last evaluated: 2021-09-15. Review status: criteria provided, single submitter. Criteria: ACMG Guidelines, 2015. Collection method: clinical testing. Allele origin: unknown.

NM_000540.3(RYR1):c.4258C>T (p.Arg1420Cys)

Gene: RYR1 (ryanodine receptor 1; plus strand). Cytogenetic location: 19q13.2.
Variant type: single nucleotide variant.
Coding change: c.4258C>T on transcript NM_000540.3 (MANE Select); coding-DNA position 4258, C replaced by T.
Protein change: p.Arg1420Cys; replaces arginine 1420 with cysteine.
Molecular consequence: missense variant.
Genome position (GRCh38, 1-based): chr19:38,475,415, C>T. VCF-style: chr19-38475415-C-T. GRCh37 (hg19) VCF-style: chr19-38966055-C-T.
Other names: c.4258C>T, p.Arg1420Cys (NM_001042723.2); c.4258C>T (NM_000540.2); short protein forms R1420C.
Identifiers: ClinVar variation 1492576 (VCV001492576.16), dbSNP rs760625346, ClinGen allele CA065789.